The following is an entry in ClinVar:

NM_006245.4(PPP2R5D):c.236A>T (p.Gln79Leu)

Gene: PPP2R5D (protein phosphatase 2 regulatory subunit B'delta; plus strand). Cytogenetic location: 6p21.1.
Variant type: single nucleotide variant.
Coding change: c.236A>T on transcript NM_006245.4 (MANE Select); coding-DNA position 236, A replaced by T.
Protein change: p.Gln79Leu; replaces glutamine 79 with leucine.
Molecular consequence: missense variant. On other transcripts: 5 prime UTR variant (1), intron variant (1).
Genome position (GRCh38, 1-based): chr6:43,006,593, A>T. VCF-style: chr6-43006593-A-T. GRCh37 (hg19) VCF-style: chr6-42974331-A-T.
Other names: c.-218A>T (NM_001270476.2); c.236A>T, p.Gln79Leu (NM_180976.3); c.28-341A>T (NM_180977.3); short protein forms Q79L.
Identifiers: ClinVar variation 2633113 (VCV002633113.1), dbSNP rs763375514, ClinGen allele CA138249420.

ClinVar aggregate classification (germline): Uncertain significance (1 of 4 stars; one submission).

Conditions:
PPP2R5D-related disorder. Also called: PPP2R5D-related condition.

gnomAD v4.1: 3 of 1,614,138 alleles (0.00019%); highest among the groups gnomAD compares: African/African-American, 0.004%; no homozygotes.

Submission:

PreventionGenetics, part of Exact Sciences
Classification: Uncertain significance for PPP2R5D-related condition. Last evaluated: 2023-05-25. Review status: criteria provided, single submitter. Criteria: ACMG Guidelines, 2015. Collection method: clinical testing. Allele origin: germline.
Comment: The PPP2R5D c.236A>T variant is predicted to result in the amino acid substitution p.Gln79Leu. To our knowledge, this variant has not been reported in the literature or in a large population database, indicating this variant is rare. At this time, the clinical significance of this variant is uncertain due to the absence of conclusive functional and genetic evidence.